The following is an entry in ClinVar:

NM_001083116.3(PRF1):c.1142G>A (p.Cys381Tyr)

Gene: PRF1 (perforin 1; minus strand). Cytogenetic location: 10q22.1.
Variant type: single nucleotide variant.
Coding change: c.1142G>A on transcript NM_001083116.3 (MANE Select); coding-DNA position 1142, G replaced by A.
Protein change: p.Cys381Tyr; replaces cysteine 381 with tyrosine.
Molecular consequence: missense variant.
Genome position (GRCh38, 1-based): chr10:70,598,579, C>T on the plus strand (G>A on the coding strand, the complement: PRF1 is on the minus strand). VCF-style: chr10-70598579-C-T. GRCh37 (hg19) VCF-style: chr10-72358335-C-T.
Other names: c.1142G>A, p.Cys381Tyr (NM_005041.6); short protein forms C381Y.
Identifiers: ClinVar variation 3061395 (VCV003061395.5), dbSNP rs2493483252, ClinGen allele CA376957089.

ClinVar aggregate classification (germline): Conflicting classifications of pathogenicity. Review status: criteria provided, conflicting classifications (1 of 4 stars). 2 submissions from 2 submitters: Likely pathogenic (1); Uncertain significance (1). Last evaluated 2024-11-22.

Conditions:
PRF1-related disorder. Also called: PRF1-related condition.
Familial hemophagocytic lymphohistiocytosis 2 (FHL2). Also called: PRF1-Related Familial Hemophagocytic Lymphohistiocytosis (PRF1-fHLH). Identifiers: Orphanet 540, MedGen C1863727, MONDO:0011337, OMIM 603553.

Submissions (2):

PreventionGenetics, part of Exact Sciences
Classification: Likely pathogenic for PRF1-related condition. Last evaluated: 2024-11-22. Review status: criteria provided, single submitter. Criteria: ACMG Guidelines, 2015. Collection method: clinical testing. Allele origin: germline.
Comment: The PRF1 c.1142G>A variant is predicted to result in the amino acid substitution p.Cys381Tyr. To our knowledge, this variant has not been reported in the literature or in a large population database, indicating this variant is rare. This variant is interpreted as likely pathogenic.

Labcorp Genetics (formerly Invitae), Labcorp
Classification: Uncertain significance for Familial hemophagocytic lymphohistiocytosis 2. Last evaluated: 2024-03-12. Review status: criteria provided, single submitter. Criteria: Invitae Variant Classification Sherloc (09022015). Collection method: clinical testing. Allele origin: germline.
Comment: This sequence change replaces cysteine, which is neutral and slightly polar, with tyrosine, which is neutral and polar, at codon 381 of the PRF1 protein (p.Cys381Tyr). This variant is not present in population databases (gnomAD no frequency). This variant has not been reported in the literature in individuals affected with PRF1-related conditions. Advanced modeling of protein sequence and biophysical properties (such as structural, functional, and spatial information, amino acid conservation, physicochemical variation, residue mobility, and thermodynamic stability) has been performed at Invitae for this missense variant, however the output from this modeling did not meet the statistical confidence thresholds required to predict the impact of this variant on PRF1 protein function. In summary, the available evidence is currently insufficient to determine the role of this variant in disease. Therefore, it has been classified as a Variant of Uncertain Significance.